The following is an entry in ClinVar:

ClinVar aggregate classification (germline): Uncertain significance (1 of 4 stars; one submission).

Allele frequency attached by ClinVar (database versions not stated): gnomAD exomes below 0.00001.

Submission:

Labcorp Genetics (formerly Invitae), Labcorp
Classification: Uncertain significance. Last evaluated: 2021-08-14. Review status: criteria provided, single submitter. Criteria: Invitae Variant Classification Sherloc (09022015). Collection method: clinical testing. Allele origin: germline.
Comment: This sequence change replaces asparagine with lysine at codon 136 of the SLC22A12 protein (p.Asn136Lys). The asparagine residue is weakly conserved and there is a moderate physicochemical difference between asparagine and lysine. This variant is not present in population databases (ExAC no frequency). This variant has been observed in individual(s) with hypouricemia (PMID: 31591475). Algorithms developed to predict the effect of missense changes on protein structure and function (SIFT, PolyPhen-2, Align-GVGD) all suggest that this variant is likely to be tolerated. In summary, the available evidence is currently insufficient to determine the role of this variant in disease. Therefore, it has been classified as a Variant of Uncertain Significance.

Literature cited by the submitters: PubMed 31591475.

NM_144585.4(SLC22A12):c.408C>A (p.Asn136Lys)

Gene: SLC22A12 (solute carrier family 22 member 12; plus strand). Cytogenetic location: 11q13.1.
Variant type: single nucleotide variant.
Coding change: c.408C>A on transcript NM_144585.4 (MANE Select); coding-DNA position 408, C replaced by A.
Protein change: p.Asn136Lys; replaces asparagine 136 with lysine.
Molecular consequence: missense variant. On other transcripts: 5 prime UTR variant (1).
Genome position (GRCh38, 1-based): chr11:64,592,784, C>A. VCF-style: chr11-64592784-C-A. GRCh37 (hg19) VCF-style: chr11-64360256-C-A.
Other names: c.408C>A, p.Asn136Lys (NM_001276326.2, NM_001276327.2); c.-101C>A (NM_153378.3); short protein forms N136K.
Identifiers: ClinVar variation 1358727 (VCV001358727.5), dbSNP rs1233260388, ClinGen allele CA381119039.